The following is an entry in ClinVar:

ClinVar aggregate classification (germline): Uncertain significance (1 of 4 stars; one submission).

Submission:

Dasa
Classification: Uncertain significance. Last evaluated: 2026-08-08. Review status: criteria provided, single submitter. Criteria: DASA Assertion Criteria. Collection method: clinical testing. Allele origin: germline.
Comment: NM_001458.5(FLNC):c.6892C>G (p.Pro2298Ala) is a missense variant that results in the substitution of proline with alanine. This variant is rare in population databases. Computational prediction algorithms are consistent with a deleterious effect. The currently available literature and clinical evidence are not sufficient to establish a definitive association between this variant and the reported condition. Therefore, this variant is classified as a variant of uncertain significance.

NM_001458.5(FLNC):c.6892C>G (p.Pro2298Ala)

Genes: FLNC (filamin C; plus strand), FLNC-AS1 (FLNC antisense RNA 1; minus strand). Cytogenetic location: 7q32.1.
Variant type: single nucleotide variant.
Coding change: c.6892C>G on transcript NM_001458.5 (MANE Select); coding-DNA position 6892, C replaced by G.
Protein change: p.Pro2298Ala; replaces proline 2298 with alanine.
Molecular consequence: missense variant.
Genome position (GRCh38, 1-based): chr7:128,854,577, C>G. VCF-style: chr7-128854577-C-G. GRCh37 (hg19) VCF-style: chr7-128494631-C-G.
Other names: c.6793C>G, p.Pro2265Ala (NM_001127487.2); short protein forms P2265A, P2298A.
Identifiers: ClinVar variation 5020489 (VCV005020489.1).